The following is an entry in ClinVar:

ClinVar aggregate classification (germline): Likely benign. Review status: criteria provided, multiple submitters, no conflicts (2 of 4 stars). 2 submissions from 2 submitters: Likely benign (2). Last evaluated 2024-05-10.

gnomAD v4.1: 2 of 1,613,968 alleles (0.00012%); highest among the groups gnomAD compares: Admixed American, 0.0017%; no homozygotes.

Submissions (2):

Blueprint Genetics
Classification: Likely benign. Last evaluated: 2024-05-10. Review status: criteria provided, single submitter. Criteria: ACMG Guidelines, 2015. Collection method: clinical testing. Allele origin: germline.

Women's Health and Genetics/Laboratory Corporation of America, LabCorp
Classification: Likely benign. Last evaluated: 2023-10-05. Review status: criteria provided, single submitter. Criteria: LabCorp Variant Classification Summary - May 2015. Collection method: clinical testing. Allele origin: germline.
Comment: Variant summary: WAC c.879A>C alters a conserved nucleotide resulting in a synonymous change. Consensus agreement among computation tools predict no significant impact on normal splicing. However, these predictions have yet to be confirmed by functional studies. The variant was absent in 251132 control chromosomes (gnomAD). The available data on variant occurrences in the general population are insufficient to allow any conclusion about variant significance. To our knowledge, no occurrence of c.879A>C in individuals affected with Desanto-Shinawi Syndrome and no experimental evidence demonstrating its impact on protein function have been reported. No submitters have cited clinical-significance assessments for this variant to ClinVar after 2014. Based on the evidence outlined above, the variant was classified as likely benign.

NM_016628.5(WAC):c.879A>C (p.Thr293=)

Gene: WAC (WW domain containing adaptor with coiled-coil; plus strand). Cytogenetic location: 10p12.1.
Variant type: single nucleotide variant.
Coding change: c.879A>C on transcript NM_016628.5 (MANE Select); coding-DNA position 879, A replaced by C.
Protein change: p.Thr293=; no amino-acid change (threonine 293 retained).
Molecular consequence: synonymous variant. On other transcripts: intron variant (1).
Genome position (GRCh38, 1-based): chr10:28,596,001, A>C. VCF-style: chr10-28596001-A-C. GRCh37 (hg19) VCF-style: chr10-28884930-A-C.
Other names: c.744A>C, p.Thr248= (NM_100264.3); c.610+5169A>C (NM_100486.4).
Identifiers: ClinVar variation 2637610 (VCV002637610.2), dbSNP rs998065676, ClinGen allele CA468760265.
Genomic context (GRCh38, chr10:28,596,001, plus strand): 5'-TCACCAGCCAAAGAAATCATTTGATGCTAATGGAGCATCTACTTTATCAAAACTGCCTAC[A>C]CCCACATCTTCTGTCCCTGCACAGAAAACAGAAAGAAAAGGTATGCCATTATTACTAGAT-3'
Protein context (NP_057712.2, residues 283-303): NGASTLSKLP[Thr293=]PTSSVPAQKT